The following is an entry in ClinVar:

ClinVar aggregate classification (germline): Pathogenic. Review status: reviewed by expert panel (3 of 4 stars). 4 submissions from 4 submitters: Pathogenic (1). 3 of the submissions do not count toward it. Last evaluated 2016-09-08.

Conditions:
Hereditary cancer-predisposing syndrome. Also called: Tumor predisposition; Hereditary Cancer Syndrome; Neoplastic Syndromes, Hereditary; Hereditary neoplastic syndrome. Identifiers: Orphanet 140162, MedGen C0027672, MeSH D009386, MONDO:0015356.
Breast-ovarian cancer, familial, susceptibility to, 2 (BROVCA2). Also called: BRCA2 Hereditary Breast and Ovarian Cancer. Identifiers: Orphanet 145, MedGen C2675520, MONDO:0012933, OMIM 612555. Disease mechanism: loss of function.

Submissions (4):

Evidence-based Network for the Interpretation of Germline Mutant Alleles (ENIGMA)
Classification: Pathogenic for Breast-ovarian cancer, familial, susceptibility to, 2. Last evaluated: 2016-09-08. Review status: reviewed by expert panel. Criteria: ENIGMA BRCA1/2 Classification Criteria (2015). Collection method: curation. Allele origin: germline.
Comment: Variant allele predicted to encode a truncated non-functional protein.

Ambry Genetics
Classification: Pathogenic for Hereditary cancer-predisposing syndrome. Last evaluated: 2016-07-09. Review status: criteria provided, single submitter. Criteria: Ambry Variant Classification Scheme 2023. Collection method: clinical testing. Allele origin: germline. Not counted in ClinVar's aggregate classification.
Comment: The c.71_96del26 pathogenic mutation, located in coding exon 2 of the BRCA2 gene, results from a deletion of 26 nucleotides at nucleotide positions 71 to 96, causing a translational frameshift with a predicted alternate stop codon (p.L24*). This alteration is expected to result in loss of function by premature protein truncation or nonsense-mediated mRNA decay. As such, this alteration is interpreted as a disease-causing mutation.

Counsyl
Classification: Likely pathogenic for Breast-ovarian cancer, familial 2. Last evaluated: 2014-11-26. Review status: no assertion criteria provided. Collection method: literature only. Allele origin: unknown. Inheritance: Autosomal dominant inheritance. Not counted in ClinVar's aggregate classification.

Breast Cancer Information Core (BIC) (BRCA2)
Classification: Pathogenic for Breast-ovarian cancer, familial 2. Last evaluated: 1999-12-30. Review status: no assertion criteria provided. Collection method: clinical testing. Allele origin: germline. Affected: yes. Observed: 1 variant allele. Not counted in ClinVar's aggregate classification.

Literature cited by the submitters: PubMed 21939546 (cited by Counsyl); PubMed 9150172 (cited by Counsyl).

NM_000059.4(BRCA2):c.71_96del (p.Asp23_Leu24insTer)

Gene: BRCA2 (BRCA2 DNA repair associated; plus strand). Cytogenetic location: 13q13.1.
Variant type: Deletion.
Coding change: c.71_96del on transcript NM_000059.4 (MANE Select); coding-DNA positions 71 to 96, 26 bases deleted (TAGGACCAATAAGTCTTAATTGGTTT).
Protein change: p.Asp23_Leu24insTer.
Molecular consequence: nonsense.
Genome position (GRCh38, 1-based): chr13:32,319,080-32,319,105, TAGGACCAATAAGTCTTAATTGGTTT deleted; deleting any 26 consecutive bases within chr13:32,319,078-32,319,105 gives the same sequence; the c. name uses the placement nearest the transcript's 3' end. VCF-style (leftmost placement, unchanged base first): chr13-32319077-ATTTAGGACCAATAAGTCTTAATTGGT-A. GRCh37 (hg19) VCF-style: chr13-32893214-ATTTAGGACCAATAAGTCTTAATTGGT-A.
Other names: 299del26; c.71_96delTAGGACCAATAAGTCTTAATTGGTTT (NM_000059.3).
Identifiers: ClinVar variation 125993 (VCV000125993.8), dbSNP rs80359637, ClinGen allele CA024953.